The following is an entry in ClinVar:

ClinVar aggregate classification (germline): Pathogenic. Review status: criteria provided, multiple submitters, no conflicts (2 of 4 stars). 3 submissions from 3 submitters: Pathogenic (3). Last evaluated 2025-02-06.

Conditions:
Familial cancer of breast. Also called: hereditary breast carcinoma; BREAST CANCER, FAMILIAL; Hereditary breast cancer. Identifiers: Orphanet 227535, MedGen C0346153, MONDO:0016419, OMIM 114480. Disease mechanism: loss of function.
Ataxia-telangiectasia syndrome (AT). Also called: Ataxia-telangiectasia, complementation group D; AT, COMPLEMENTATION GROUP C; Ataxia telangiectasia (A-T); Cerebello-oculocutaneous telangiectasia; Immunodeficiency with ataxia telangiectasia; Ataxia-telangiectasia. Identifiers: Orphanet 100, MedGen C0004135, MONDO:0008840, OMIM 208900.

Submissions (3):

KCCC/NGS Laboratory, Kuwait Cancer Control Center
Classification: Pathogenic for Familial cancer of breast. Last evaluated: 2025-02-06. Review status: criteria provided, single submitter. Criteria: ACMG Guidelines, 2015. Collection method: clinical testing. Allele origin: germline. Inheritance: Autosomal dominant inheritance. Affected: yes. Observed: 1 heterozygote.
Comment: This sequence change creates a premature translational stop signal (p.Thr460Asnfs*27) in the ATM gene. It is expected to result in an absent or disrupted protein product.This variant is not present in population databases (ExAC no frequency). This variant has not been reported in the literature in individuals with ATM-related conditions. Loss-of-function variants in ATM are known to be pathogenic (PMID: 23807571, 25614872). For these reasons, this variant has been classified as Pathogenic. Heterozygous pathogenic varaints in the ATM gene cause familial breast cancer susceptibility (OMIM# 114480). The cancer risk of individuals heterozygous for an ATM pathogenic variant is approximately four times that of the general population, primarily because of the increased risk for breast cancer. Potentially, it may increase the risk of ovarian cancer. There is insufficient evidence to suggest increased risk for pancreatic cancer. Homozygous or compound heterozygous mutations in the ATM gene are associated with ataxia- telangiectasia (A-T). Classic ataxia-telangiectasia is characterized by progressive cerebellar ataxia beginning between ages 1 and 4 years, oculomotor apraxia, choreoathetosis, telangiectasias of the conjunctivae, immunodeficiency, frequent infections, and an increased risk for malignancy, particularly leukemia and lymphoma. Individuals with A-T are unusually sensitive to ionizing radiation. Non-classic forms of A-T have included adult-onset A-T and A-T with early-onset dystonia.

Myriad Genetics, Inc.
Classification: Pathogenic for Familial cancer of breast. Last evaluated: 2024-01-16. Review status: criteria provided, single submitter. Criteria: Myriad Autosomal Dominant, Autosomal Recessive and X-Linked Classification Criteria (2023). Collection method: clinical testing. Allele origin: unknown.
Comment: This variant is considered pathogenic. This variant creates a frameshift predicted to result in premature protein truncation.

Labcorp Genetics (formerly Invitae), Labcorp
Classification: Pathogenic for Ataxia-telangiectasia syndrome. Last evaluated: 2019-12-27. Review status: criteria provided, single submitter. Criteria: Invitae Variant Classification Sherloc (09022015). Collection method: clinical testing. Allele origin: germline.
Comment: For these reasons, this variant has been classified as Pathogenic. Loss-of-function variants in ATM are known to be pathogenic (PMID: 23807571, 25614872). This variant has not been reported in the literature in individuals with ATM-related conditions. This variant is not present in population databases (ExAC no frequency). This sequence change creates a premature translational stop signal (p.Thr460Asnfs*27) in the ATM gene. It is expected to result in an absent or disrupted protein product.

Literature cited by the submitters: PubMed 23807571 (cited by Labcorp Genetics (formerly Invitae), Labcorp); PubMed 25614872 (cited by Labcorp Genetics (formerly Invitae), Labcorp).

NM_000051.4(ATM):c.1378dup (p.Thr460fs)

Gene: ATM (ATM serine/threonine kinase; plus strand). Cytogenetic location: 11q22.3.
Variant type: Duplication.
Coding change: c.1378dup on transcript NM_000051.4 (MANE Select); coding-DNA position 1378, one base duplicated (A; older notation c.1378dupA).
Protein change: p.Thr460fs; shifts the reading frame from threonine 460.
Molecular consequence: frameshift variant.
Genome position (GRCh38, 1-based): chr11:108,250,843, A duplicated. VCF-style (leftmost placement, unchanged base first): chr11-108250842-T-TA. GRCh37 (hg19) VCF-style: chr11-108121569-T-TA.
Other names: c.1378_1379insA (NM_000051.3); c.1378dup, p.Thr460fs (NM_001351834.2); short protein forms T460fs.
Identifiers: ClinVar variation 843611 (VCV000843611.11), dbSNP rs2080101851, ClinGen allele CA916080439.